The following is an entry in ClinVar:

ClinVar aggregate classification (germline): Uncertain significance. Review status: criteria provided, multiple submitters, no conflicts (2 of 4 stars). 2 submissions from 2 submitters: Uncertain significance (2). Last evaluated 2025-06-09.

Conditions:
Myofibrillar myopathy 6. Identifiers: Orphanet 199340, MedGen C2751831, MONDO:0013061, OMIM 612954.
Dilated cardiomyopathy 1HH (CMD1HH). Identifiers: Orphanet 154, MedGen C3151293, MONDO:0013479, OMIM 613881.
Cardiovascular phenotype. Identifiers: MedGen CN230736.

Allele frequency attached by ClinVar (database versions not stated): gnomAD exomes below 0.00001 and 0.00001.
gnomAD v4.1: 15 of 1,614,162 alleles (0.00093%); highest among the groups gnomAD compares: Non-Finnish European, 0.0013%; no homozygotes.

Submissions (2):

Labcorp Genetics (formerly Invitae), Labcorp
Classification: Uncertain significance for Dilated cardiomyopathy 1HH; Myofibrillar myopathy 6. Last evaluated: 2025-06-09. Review status: criteria provided, single submitter. Criteria: Invitae Variant Classification Sherloc (09022015). Collection method: clinical testing. Allele origin: germline.
Comment: This sequence change replaces alanine, which is neutral and non-polar, with serine, which is neutral and polar, at codon 415 of the BAG3 protein (p.Ala415Ser). This variant is present in population databases (no rsID available, gnomAD 0.0009%). This variant has not been reported in the literature in individuals affected with BAG3-related conditions. ClinVar contains an entry for this variant (Variation ID: 655123). Invitae Evidence Modeling of protein sequence and biophysical properties (such as structural, functional, and spatial information, amino acid conservation, physicochemical variation, residue mobility, and thermodynamic stability) indicates that this missense variant is not expected to disrupt BAG3 protein function with a negative predictive value of 80%. In summary, the available evidence is currently insufficient to determine the role of this variant in disease. Therefore, it has been classified as a Variant of Uncertain Significance.

Ambry Genetics
Classification: Uncertain significance for Cardiovascular phenotype. Last evaluated: 2025-06-02. Review status: criteria provided, single submitter. Criteria: Ambry Variant Classification Scheme 2023. Collection method: clinical testing. Allele origin: germline.
Comment: The p.A415S variant (also known as c.1243G>T), located in coding exon 4 of the BAG3 gene, results from a G to T substitution at nucleotide position 1243. The alanine at codon 415 is replaced by serine, an amino acid with similar properties. This amino acid position is conserved. In addition, this alteration is predicted to be tolerated by in silico analysis. Since supporting evidence is limited at this time, the clinical significance of this alteration remains unclear.

NM_004281.4(BAG3):c.1243G>T (p.Ala415Ser)

Gene: BAG3 (BAG cochaperone 3; plus strand). Cytogenetic location: 10q26.11.
Variant type: single nucleotide variant.
Coding change: c.1243G>T on transcript NM_004281.4 (MANE Select); coding-DNA position 1243, G replaced by T.
Protein change: p.Ala415Ser; replaces alanine 415 with serine.
Molecular consequence: missense variant.
Genome position (GRCh38, 1-based): chr10:119,676,797, G>T. VCF-style: chr10-119676797-G-T. GRCh37 (hg19) VCF-style: chr10-121436309-G-T.
Other names: short protein forms A415S.
Identifiers: ClinVar variation 655123 (VCV000655123.13), dbSNP rs1248733449, ClinGen allele CA378296904.